The following is an entry in ClinVar:

NM_020163.3(SEMA3G):c.1670G>A (p.Arg557His)

Gene: SEMA3G (semaphorin 3G; minus strand). Cytogenetic location: 3p21.1.
Variant type: single nucleotide variant.
Coding change: c.1670G>A on transcript NM_020163.3 (MANE Select); coding-DNA position 1670, G replaced by A.
Protein change: p.Arg557His; replaces arginine 557 with histidine.
Molecular consequence: missense variant.
Genome position (GRCh38, 1-based): chr3:52,438,039, C>T on the plus strand (G>A on the coding strand, the complement: SEMA3G is on the minus strand). VCF-style: chr3-52438039-C-T. GRCh37 (hg19) VCF-style: chr3-52472055-C-T.
Other names: c.1670G>A (NM_020163.1); short protein forms R557H.
Identifiers: ClinVar variation 3035777 (VCV003035777.3), dbSNP rs142528178, ClinGen allele CA2437855.

ClinVar aggregate classification (germline): Uncertain significance. Review status: criteria provided, single submitter (1 of 4 stars). 2 submissions from 2 submitters: Uncertain significance (1). 1 of the submissions does not count toward it. Last evaluated 2025-10-07.

Conditions:
SEMA3G-related disorder. Also called: SEMA3G-related condition.

Allele frequency attached by ClinVar (database versions not stated): 1000 Genomes Project 0.00180; ExAC 0.00076; TOPMed 0.00155; 1000 Genomes Project 30x 0.00156; ESP Exome Variant Server 0.00177; gnomAD 0.00141.

Submissions (2):

Ambry Genetics
Classification: Uncertain significance. Last evaluated: 2025-10-07. Review status: criteria provided, single submitter. Criteria: Ambry Variant Classification Scheme 2023. Collection method: clinical testing. Allele origin: germline.

PreventionGenetics, part of Exact Sciences
Classification: Likely benign for SEMA3G-related condition. Last evaluated: 2021-06-10. Review status: no assertion criteria provided. Collection method: clinical testing. Allele origin: germline. Not counted in ClinVar's aggregate classification.
Comment: This variant is classified as likely benign based on ACMG/AMP sequence variant interpretation guidelines (Richards et al. 2015 PMID: 25741868, with internal and published modifications).